The following is an entry in ClinVar:

ClinVar aggregate classification (germline): Pathogenic (1 of 4 stars; one submission).

Submission:

ISCA site 4
Classification: Pathogenic. Last evaluated: 2011-08-12. Review status: criteria provided, single submitter. Criteria: Kaminsky et al. (Genet Med. 2011). Collection method: clinical testing. Allele origin: unknown. Affected: yes. Observed: 1 variant allele.
Comment: Copy number variation identified through the course of routine clinical cytogenomic testing in postnatal populations. Clinical assertions have been curated as described in Kaminsky et al. 2011.

GRCh38/hg38 16p13.11-12.1(chr16:14954894-28306843)x3

Genes: ABCC1 (ATP binding cassette subfamily C member 1 (ABCC1 blood group); plus strand), ABCC6 (ATP binding cassette subfamily C member 6; minus strand), ACSM1 (acyl-CoA synthetase medium chain family member 1; minus strand), ACSM2A (acyl-CoA synthetase medium chain family member 2A; plus strand), ACSM2B (acyl-CoA synthetase medium chain family member 2B; minus strand) and 400 more. Cytogenetic location: 16p13.11-12.1.
Variant type: copy number gain.
Change: copy number 3 (three copies instead of two) of chr16:14,954,894-28,306,843 (13.35 Mb, GRCh38 coordinates, 1-based), cytogenetic band 16p13.11-12.1.
Identifiers: ClinVar variation 58085 (VCV000058085.1).